The following is an entry in ClinVar:

ClinVar aggregate classification (germline): Likely benign. Review status: criteria provided, multiple submitters, no conflicts (2 of 4 stars). 3 submissions from 3 submitters: Likely benign (2). 1 of the submissions does not count toward it. Last evaluated 2025-12-11.

Conditions:
CHD7-related disorder. Also called: CHD7-related condition.
CHARGE syndrome (CHARGE). Also called: Coloboma, heart anomaly, choanal atresia, retardation, genital and ear anomalies; CHARGE association; Hall-Hittner syndrome; Hittner Hirsch Kreh syndrome; CHARGE ASSOCIATION--COLOBOMA, HEART ANOMALY, CHOANAL ATRESIA, RETARDATION, GENITAL AND EAR ANOMALIES. Identifiers: Orphanet 138, MedGen C0265354, MONDO:0008965.

Allele frequency attached by ClinVar (database versions not stated): ExAC 0.00001; gnomAD 0.00001; TOPMed 0.00002; gnomAD exomes 0.00003 and 0.00004.
gnomAD v4.1: 56 of 1,613,756 alleles (0.0035%); highest among the groups gnomAD compares: Non-Finnish European, 0.0047%; no homozygotes.

Submissions (3):

Labcorp Genetics (formerly Invitae), Labcorp
Classification: Likely benign for CHARGE syndrome. Last evaluated: 2025-12-11. Review status: criteria provided, single submitter. Criteria: Invitae Variant Classification Sherloc (09022015). Collection method: clinical testing. Allele origin: germline.

Blueprint Genetics
Classification: Likely benign. Last evaluated: 2024-10-08. Review status: criteria provided, single submitter. Criteria: ACMG Guidelines, 2015. Collection method: clinical testing. Allele origin: germline.

PreventionGenetics, part of Exact Sciences
Classification: Likely benign for CHD7-related condition. Last evaluated: 2021-10-04. Review status: no assertion criteria provided. Collection method: clinical testing. Allele origin: germline. Not counted in ClinVar's aggregate classification.
Comment: This variant is classified as likely benign based on ACMG/AMP sequence variant interpretation guidelines (Richards et al. 2015 PMID: 25741868, with internal and published modifications).

NM_017780.4(CHD7):c.7224A>G (p.Glu2408=)

Gene: CHD7 (chromodomain helicase DNA binding protein 7; plus strand). Cytogenetic location: 8q12.2.
Variant type: single nucleotide variant.
Coding change: c.7224A>G on transcript NM_017780.4 (MANE Select); coding-DNA position 7224, A replaced by G.
Protein change: p.Glu2408=; no amino-acid change (glutamic acid 2408 retained).
Molecular consequence: synonymous variant. On other transcripts: intron variant (1).
Genome position (GRCh38, 1-based): chr8:60,856,504, A>G. VCF-style: chr8-60856504-A-G. GRCh37 (hg19) VCF-style: chr8-61769063-A-G.
Other names: c.1717-5725A>G (NM_001316690.1).
Identifiers: ClinVar variation 695252 (VCV000695252.13), dbSNP rs749492213, ClinGen allele CA4760778.
Genomic context (GRCh38, chr8:60,856,504, plus strand): 5'-GGAAGATGCCCTCAACCTCTCTGTCCCTCGCCAGCGGAGGAGGAGGAGGAGAAAAATCGA[A>G]ATTGAGGCCGAAAGAGCTGCCAAGAGGCGAAATCTCATGGAGATGGTTGCCCAGCTTCGA-3'
Protein context (NP_060250.2, residues 2398-2418): RQRRRRRRKI[Glu2408=]IEAERAAKRR